The following is an entry in ClinVar:

NM_001606.5(ABCA2):c.5298C>T (p.Tyr1766=)

Gene: ABCA2 (ATP binding cassette subfamily A member 2; minus strand). Cytogenetic location: 9q34.3.
Variant type: single nucleotide variant.
Coding change: c.5298C>T on transcript NM_001606.5 (MANE Select); coding-DNA position 5298, C replaced by T.
Protein change: p.Tyr1766=; no amino-acid change (tyrosine 1766 retained).
Molecular consequence: synonymous variant.
Genome position (GRCh38, 1-based): chr9:137,012,266, G>A on the plus strand (C>T on the coding strand, the complement: ABCA2 is on the minus strand). VCF-style: chr9-137012266-G-A. GRCh37 (hg19) VCF-style: chr9-139906718-G-A.
Other names: c.5388C>T, p.Tyr1796= (NM_212533.3).
Identifiers: ClinVar variation 1677353 (VCV001677353.3), dbSNP rs765557399, ClinGen allele CA5354096.

ClinVar aggregate classification (germline): Conflicting classifications of pathogenicity. Review status: criteria provided, conflicting classifications (1 of 4 stars). 3 submissions from 3 submitters: Uncertain significance (2); Likely benign (1). Last evaluated 2025-02-12.

Allele frequency attached by ClinVar (database versions not stated): gnomAD exomes 0.00018 and 0.00024; gnomAD 0.00019 and 0.00021; TOPMed 0.00019; ExAC 0.00022.
gnomAD v4.1: 302 of 1,274,958 alleles (0.024%); highest among the groups gnomAD compares: Admixed American, 0.041%; 1 homozygote.

Submissions (3):

Women's Health and Genetics/Laboratory Corporation of America, LabCorp
Classification: Uncertain significance. Last evaluated: 2025-02-12. Review status: criteria provided, single submitter. Criteria: LabCorp Variant Classification Summary - May 2015. Collection method: clinical testing. Allele origin: germline.
Comment: Variant summary: ABCA2 c.5388C>T (p.Tyr1796Tyr) alters a conserved nucleotide located close to a canonical splice site and therefore could affect mRNA splicing, leading to a significantly altered protein sequence. Several computational tools predict a significant impact on normal splicing: Three predict the variant weakens a 5' donor site. However, these predictions have yet to be confirmed by functional studies. The variant allele was found at a frequency of 0.00018 in 241476 control chromosomes. This frequency is not significantly higher than estimated for a pathogenic variant in ABCA2 causing Intellectual Developmental Disorder With Poor Growth And With Or Without Seizures Or Ataxia, allowing no conclusion about variant significance. To our knowledge, no occurrence of c.5388C>T in individuals affected with Intellectual Developmental Disorder With Poor Growth And With Or Without Seizures Or Ataxia and no experimental evidence demonstrating its impact on protein function have been reported. ClinVar contains an entry for this variant (Variation ID: 1677353). Based on the evidence outlined above, the variant was classified as uncertain significance.

Blueprint Genetics
Classification: Likely benign. Last evaluated: 2024-11-06. Review status: criteria provided, single submitter. Criteria: ACMG Guidelines, 2015. Collection method: clinical testing. Allele origin: germline.

AiLife Diagnostics
Classification: Uncertain significance. Last evaluated: 2021-07-13. Review status: criteria provided, single submitter. Criteria: ACMG Guidelines, 2015. Collection method: clinical testing. Allele origin: germline. Affected: yes. Observed: 1 variant allele.